The following is an entry in ClinVar:

NM_001271938.2(MEGF8):c.6335G>A (p.Arg2112Gln)

Gene: MEGF8 (multiple EGF like domains 8; plus strand). Cytogenetic location: 19q13.2.
Variant type: single nucleotide variant.
Coding change: c.6335G>A on transcript NM_001271938.2 (MANE Select); coding-DNA position 6335, G replaced by A.
Protein change: p.Arg2112Gln; replaces arginine 2112 with glutamine.
Molecular consequence: missense variant.
Genome position (GRCh38, 1-based): chr19:42,368,516, G>A. VCF-style: chr19-42368516-G-A. GRCh37 (hg19) VCF-style: chr19-42872668-G-A.
Other names: c.6134G>A, p.Arg2045Gln (NM_001410.3); short protein forms R2112Q, R2045Q.
Identifiers: ClinVar variation 844099 (VCV000844099.10), dbSNP rs139601509, ClinGen allele CA9475838.

ClinVar aggregate classification (germline): Uncertain significance. Review status: criteria provided, multiple submitters, no conflicts (2 of 4 stars). 3 submissions from 3 submitters: Uncertain significance (3). Last evaluated 2026-09-21.

Conditions:
Inborn genetic diseases. Identifiers: MedGen C0950123, MeSH D030342.
MEGF8-related Carpenter syndrome. Also called: Carpenter syndrome 2. Identifiers: Orphanet 65759, MedGen C3554247, MONDO:0013998, OMIM 614976.

Allele frequency attached by ClinVar (database versions not stated): ExAC 0.00007; gnomAD exomes 0.00002 and 0.00003; TOPMed 0.00008; gnomAD 0.00010 and 0.00014; ESP Exome Variant Server 0.00016.
gnomAD v4.1: 39 of 1,608,110 alleles (0.0024%); highest among the groups gnomAD compares: African/African-American, 0.035%; no homozygotes.

Submissions (3):

GeneDx
Classification: Uncertain significance. Last evaluated: 2026-09-21. Review status: criteria provided, single submitter. Criteria: GeneDx Variant Classification Process June 2021. Collection method: clinical testing. Allele origin: germline.
Comment: In silico analysis suggests that this missense variant does not alter protein structure/function; Has not been previously published as pathogenic or benign to our knowledge

Ambry Genetics
Classification: Uncertain significance for Inborn genetic diseases. Last evaluated: 2025-08-10. Review status: criteria provided, single submitter. Criteria: Ambry Variant Classification Scheme 2023. Collection method: clinical testing. Allele origin: germline.

Labcorp Genetics (formerly Invitae), Labcorp
Classification: Uncertain significance for MEGF8-related Carpenter syndrome. Last evaluated: 2019-04-04. Review status: criteria provided, single submitter. Criteria: Invitae Variant Classification Sherloc (09022015). Collection method: clinical testing. Allele origin: germline.
Comment: In summary, the available evidence is currently insufficient to determine the role of this variant in disease. Therefore, it has been classified as a Variant of Uncertain Significance. This sequence change replaces arginine with glutamine at codon 2045 of the MEGF8 protein (p.Arg2045Gln). The arginine residue is moderately conserved and there is a small physicochemical difference between arginine and glutamine. This variant is present in population databases (rs139601509, ExAC 0.08%). This variant has not been reported in the literature in individuals with MEGF8-related conditions. Algorithms developed to predict the effect of missense changes on protein structure and function (SIFT, PolyPhen-2, Align-GVGD) all suggest that this variant is likely to be tolerated, but these predictions have not been confirmed by published functional studies and their clinical significance is uncertain. Algorithms developed to predict the effect of sequence changes on RNA splicing suggest that this variant may create or strengthen a splice site, but this prediction has not been confirmed by published transcriptional studies.